The following is an entry in ClinVar:

ClinVar aggregate classification (germline): Uncertain significance. Review status: criteria provided, multiple submitters, no conflicts (2 of 4 stars). 2 submissions from 2 submitters: Uncertain significance (2). Last evaluated 2023-11-28.

Allele frequency attached by ClinVar (database versions not stated): gnomAD exomes below 0.00001; TOPMed 0.00001; gnomAD 0.00003 and 0.00004.
gnomAD v4.1: 7 of 1,613,674 alleles (0.00043%); highest among the groups gnomAD compares: African/African-American, 0.0094%; no homozygotes.

Submissions (2):

Labcorp Genetics (formerly Invitae), Labcorp
Classification: Uncertain significance. Last evaluated: 2023-11-28. Review status: criteria provided, single submitter. Criteria: Invitae Variant Classification Sherloc (09022015). Collection method: clinical testing. Allele origin: germline.
Comment: This sequence change replaces proline, which is neutral and non-polar, with serine, which is neutral and polar, at codon 313 of the PRPF3 protein (p.Pro313Ser). This variant is present in population databases (no rsID available, gnomAD 0.008%). This missense change has been observed in individual(s) with clinical features of PRPF3-related conditions (Invitae). ClinVar contains an entry for this variant (Variation ID: 1005905). Advanced modeling of protein sequence and biophysical properties (such as structural, functional, and spatial information, amino acid conservation, physicochemical variation, residue mobility, and thermodynamic stability) performed at Invitae indicates that this missense variant is not expected to disrupt PRPF3 protein function with a negative predictive value of 80%. In summary, the available evidence is currently insufficient to determine the role of this variant in disease. Therefore, it has been classified as a Variant of Uncertain Significance.

Blueprint Genetics
Classification: Uncertain significance. Last evaluated: 2019-09-14. Review status: criteria provided, single submitter. Criteria: ACMG Guidelines, 2015. Collection method: clinical testing. Allele origin: germline.

NM_004698.4(PRPF3):c.937C>T (p.Pro313Ser)

Gene: PRPF3 (pre-mRNA processing factor 3; plus strand). Cytogenetic location: 1q21.2.
Variant type: single nucleotide variant.
Coding change: c.937C>T on transcript NM_004698.4 (MANE Select); coding-DNA position 937, C replaced by T.
Protein change: p.Pro313Ser; replaces proline 313 with serine.
Molecular consequence: missense variant. On other transcripts: non-coding transcript variant (4).
Genome position (GRCh38, 1-based): chr1:150,335,143, C>T. VCF-style: chr1-150335143-C-T. GRCh37 (hg19) VCF-style: chr1-150307614-C-T.
Other names: c.532C>T, p.Pro178Ser (NM_001350529.1); short protein forms P178S, P313S.
Identifiers: ClinVar variation 1005905 (VCV001005905.9), dbSNP rs1489549828, ClinGen allele CA342294571.